The following is an entry in ClinVar:

ClinVar aggregate classification (germline): Uncertain significance (1 of 4 stars; one submission).

Submission:

Labcorp Genetics (formerly Invitae), Labcorp
Classification: Uncertain significance. Last evaluated: 2024-07-08. Review status: criteria provided, single submitter. Criteria: Invitae Variant Classification Sherloc (09022015). Collection method: clinical testing. Allele origin: germline.
Comment: This sequence change replaces threonine, which is neutral and polar, with asparagine, which is neutral and polar, at codon 438 of the FUK protein (p.Thr438Asn). This variant is not present in population databases (gnomAD no frequency). This variant has not been reported in the literature in individuals affected with FUK-related conditions. An algorithm developed to predict the effect of missense changes on protein structure and function (PolyPhen-2) suggests that this variant is likely to be disruptive. In summary, the available evidence is currently insufficient to determine the role of this variant in disease. Therefore, it has been classified as a Variant of Uncertain Significance.

NM_145059.3(FCSK):c.1313C>A (p.Thr438Asn)

Gene: FCSK (fucose kinase; plus strand). Cytogenetic location: 16q22.1.
Variant type: single nucleotide variant.
Coding change: c.1313C>A on transcript NM_145059.3 (MANE Select); coding-DNA position 1313, C replaced by A.
Protein change: p.Thr438Asn; replaces threonine 438 with asparagine.
Molecular consequence: missense variant.
Genome position (GRCh38, 1-based): chr16:70,471,324, C>A. VCF-style: chr16-70471324-C-A. GRCh37 (hg19) VCF-style: chr16-70505227-C-A.
Other names: short protein forms T438N.
Identifiers: ClinVar variation 3658441 (VCV003658441.2).